The following is an entry in ClinVar:

NM_130466.4(UBE3B):c.1167G>T (p.Trp389Cys)

Gene: UBE3B (ubiquitin protein ligase E3B; plus strand). Cytogenetic location: 12q24.11.
Variant type: single nucleotide variant.
Coding change: c.1167G>T on transcript NM_130466.4 (MANE Select); coding-DNA position 1167, G replaced by T.
Protein change: p.Trp389Cys; replaces tryptophan 389 with cysteine.
Molecular consequence: missense variant.
Genome position (GRCh38, 1-based): chr12:109,501,419, G>T. VCF-style: chr12-109501419-G-T. GRCh37 (hg19) VCF-style: chr12-109939224-G-T.
Other names: c.1167G>T, p.Trp389Cys (NM_183415.3); short protein forms W389C.
Identifiers: ClinVar variation 2077920 (VCV002077920.4), dbSNP rs1359982302, ClinGen allele CA386635068.
Genomic context (GRCh38, chr12:109,501,419, plus strand): 5'-GCTCTCTCCTAGCCTTAACGAGTCAATGCACTTGATCACCAAACAGCTGCAGTTCTTGTG[G>T]GGGGTGCCTCTGATCCGGATCTTCTTCTGTGACATCCTGAGCAAGAAGCTACTGGAGAGC-3'
Protein context (NP_569733.2, residues 379-399): HLITKQLQFL[Trp389Cys]GVPLIRIFFC

ClinVar aggregate classification (germline): Uncertain significance (1 of 4 stars; one submission).

Submission:

Labcorp Genetics (formerly Invitae), Labcorp
Classification: Uncertain significance. Last evaluated: 2022-04-21. Review status: criteria provided, single submitter. Criteria: Invitae Variant Classification Sherloc (09022015). Collection method: clinical testing. Allele origin: germline.
Comment: In summary, the available evidence is currently insufficient to determine the role of this variant in disease. Therefore, it has been classified as a Variant of Uncertain Significance. Algorithms developed to predict the effect of missense changes on protein structure and function are either unavailable or do not agree on the potential impact of this missense change (SIFT: "Deleterious"; PolyPhen-2: "Probably Damaging"; Align-GVGD: "Class C0"). This variant has not been reported in the literature in individuals affected with UBE3B-related conditions. This variant is not present in population databases (gnomAD no frequency). This sequence change replaces tryptophan, which is neutral and slightly polar, with cysteine, which is neutral and slightly polar, at codon 389 of the UBE3B protein (p.Trp389Cys).